The following is an entry in ClinVar:

NM_201550.4(LRRC10):c.80A>G (p.Glu27Gly)

Gene: LRRC10 (leucine rich repeat containing 10; minus strand). Cytogenetic location: 12q15.
Variant type: single nucleotide variant.
Coding change: c.80A>G on transcript NM_201550.4 (MANE Select); coding-DNA position 80, A replaced by G.
Protein change: p.Glu27Gly; replaces glutamic acid 27 with glycine.
Molecular consequence: missense variant.
Genome position (GRCh38, 1-based): chr12:69,610,759, T>C on the plus strand (A>G on the coding strand, the complement: LRRC10 is on the minus strand). VCF-style: chr12-69610759-T-C. GRCh37 (hg19) VCF-style: chr12-70004539-T-C.
Other names: short protein forms E27G.
Identifiers: ClinVar variation 1447625 (VCV001447625.6), dbSNP rs2135869598, ClinGen allele CA385738440.

ClinVar aggregate classification (germline): Uncertain significance (1 of 4 stars; one submission).

Submission:

Labcorp Genetics (formerly Invitae), Labcorp
Classification: Uncertain significance. Last evaluated: 2021-09-08. Review status: criteria provided, single submitter. Criteria: Invitae Variant Classification Sherloc (09022015). Collection method: clinical testing. Allele origin: germline.
Comment: This sequence change replaces glutamic acid with glycine at codon 27 of the LRRC10 protein (p.Glu27Gly). The glutamic acid residue is highly conserved and there is a moderate physicochemical difference between glutamic acid and glycine. This variant is not present in population databases (ExAC no frequency). This variant has not been reported in the literature in individuals affected with LRRC10-related conditions. Algorithms developed to predict the effect of missense changes on protein structure and function are either unavailable or do not agree on the potential impact of this missense change (SIFT: "Tolerated"; PolyPhen-2: "Possibly Damaging"; Align-GVGD: "Class C0"). In summary, the available evidence is currently insufficient to determine the role of this variant in disease. Therefore, it has been classified as a Variant of Uncertain Significance.